The following is an entry in ClinVar:

NM_005477.3(HCN4):c.896A>G (p.Asn299Ser)

Genes: HCN4 (hyperpolarization activated cyclic nucleotide gated potassium channel 4; minus strand), LOC105370890 (uncharacterized LOC105370890; plus strand), LOC126862173 (CDK7 strongly-dependent group 2 enhancer GRCh37_chr15:73635762-73636961; plus strand). Cytogenetic location: 15q24.1.
Variant type: single nucleotide variant.
Coding change: c.896A>G on transcript NM_005477.3 (MANE Select); coding-DNA position 896, A replaced by G.
Protein change: p.Asn299Ser; replaces asparagine 299 with serine.
Molecular consequence: missense variant.
Genome position (GRCh38, 1-based): chr15:73,343,698, T>C on the plus strand (A>G on the coding strand, the complement: HCN4 is on the minus strand). VCF-style: chr15-73343698-T-C. GRCh37 (hg19) VCF-style: chr15-73636039-T-C.
Other names: short protein forms N299S.
Identifiers: ClinVar variation 373246 (VCV000373246.14), dbSNP rs1057518303, ClinGen allele CA16043025.

ClinVar aggregate classification (germline): Conflicting classifications of pathogenicity. Review status: criteria provided, conflicting classifications (1 of 4 stars). 4 submissions from 4 submitters: Likely pathogenic (1); Uncertain significance (3). Last evaluated 2026-01-25.

Conditions:
Cardiovascular phenotype. Identifiers: MedGen CN230736.
Brugada syndrome 8 (BRGDA8). Identifiers: Orphanet 130, MedGen C2751083, MONDO:0013148, OMIM 613123.

gnomAD v4.1: 1 of 1,614,144 alleles (0.000062%); highest among the groups gnomAD compares: Non-Finnish European, 0.000085%; no homozygotes.

Submissions (4):

Labcorp Genetics (formerly Invitae), Labcorp
Classification: Likely pathogenic for Brugada syndrome 8. Last evaluated: 2026-01-25. Review status: criteria provided, single submitter. Criteria: Invitae Variant Classification Sherloc (09022015). Collection method: clinical testing. Allele origin: germline.
Comment: This sequence change replaces asparagine, which is neutral and polar, with serine, which is neutral and polar, at codon 299 of the HCN4 protein (p.Asn299Ser). This variant is not present in population databases (gnomAD no frequency). This missense change has been observed in individual(s) with clinical features of HCN4-related conditions (PMID: 41084804). It has also been observed to segregate with disease in related individuals. ClinVar contains an entry for this variant (Variation ID: 373246). Invitae Evidence Modeling of protein sequence and biophysical properties (such as structural, functional, and spatial information, amino acid conservation, physicochemical variation, residue mobility, and thermodynamic stability) indicates that this missense variant is expected to disrupt HCN4 protein function with a positive predictive value of 95%. Experimental studies have shown that this missense change affects HCN4 function (PMID: 33514801). In summary, the currently available evidence indicates that the variant is pathogenic, but additional data are needed to prove that conclusively. Therefore, this variant has been classified as Likely Pathogenic.

Ambry Genetics
Classification: Uncertain significance for Cardiovascular phenotype. Last evaluated: 2025-03-19. Review status: criteria provided, single submitter. Criteria: Ambry Variant Classification Scheme 2023. Collection method: clinical testing. Allele origin: germline.
Comment: The p.N299S variant (also known as c.896A>G), located in coding exon 2 of the HCN4 gene, results from an A to G substitution at nucleotide position 896. The asparagine at codon 299 is replaced by serine, an amino acid with highly similar properties. This amino acid position is highly conserved in available vertebrate species. In addition, the in silico prediction for this alteration is inconclusive. Since supporting evidence is limited at this time, the clinical significance of this alteration remains unclear.

Blueprint Genetics
Classification: Uncertain significance. Last evaluated: 2022-08-09. Review status: criteria provided, single submitter. Criteria: ACMG Guidelines, 2015. Collection method: clinical testing. Allele origin: germline.

GeneDx
Classification: Uncertain significance. Last evaluated: 2016-11-17. Review status: criteria provided, single submitter. Criteria: GeneDx Variant Classification (06012015). Collection method: clinical testing. Allele origin: germline. Affected: yes.
Comment: A variant of uncertain significance has been identified in the HCN4 gene. The N299S variant has not been published as a pathogenic variant or been reported as a benign variant to our knowledge. This variant was not observed in approximately 6,500 individuals of European and African American ancestry in the NHLBI Exome Sequencing Project or in the Exome Aggregation Consortium, indicating it is not a common benign variant in these populations. Althought the N299S variant is a conservative amino acid substitution, which is not likely to impact secondary protein structure as these residues share similar properties, it occurs at a position that is conserved across species. Furthermore, in silico analysis predicts this variant is probably damaging to the protein structure/function.Therefore, based on the currently available information, it is unclear whether this variant is pathogenic or benign.

Literature cited by the submitters: PubMed 41084804 (cited by Labcorp Genetics (formerly Invitae), Labcorp); PubMed 33514801 (cited by Labcorp Genetics (formerly Invitae), Labcorp).